The following is an entry in ClinVar:

ClinVar aggregate classification (germline): Uncertain significance (1 of 4 stars; one submission).

Conditions:
Malignant hyperthermia, susceptibility to, 1 (MHS1). Also called: RYR1-Related Malignant Hyperthermia Susceptibility; Malignant hyperthermia suceptibility 1; Anesthesia related hyperthermia; Malignant hyperpyrexia; Fulminating hyperpyrexia; Pharmacogenic myopathy. Identifiers: Orphanet 423, MedGen C2930980, MONDO:0007783, OMIM 145600.

Submission:

Color Diagnostics, LLC DBA Color Health
Classification: Uncertain significance for Malignant hyperthermia, susceptibility to, 1. Last evaluated: 2025-09-05. Review status: criteria provided, single submitter. Criteria: ACMG Guidelines, 2015. Collection method: clinical testing. Allele origin: germline.
Comment: This missense variant replaces valine with methionine at codon 2980 of the RYR1 protein. Computational prediction suggests that this variant may not impact protein structure and function. To our knowledge, functional studies have not been reported for this variant. This variant has not been reported in individuals affected with RYR1-related disorders in the literature. This variant has not been identified in the general population by the Genome Aggregation Database (gnomAD). The available evidence is insufficient to determine the role of this variant in disease conclusively. Therefore, this variant is classified as a Variant of Uncertain Significance.

NM_000540.3(RYR1):c.8938G>A (p.Val2980Met)

Gene: RYR1 (ryanodine receptor 1; plus strand). Cytogenetic location: 19q13.2.
Variant type: single nucleotide variant.
Coding change: c.8938G>A on transcript NM_000540.3 (MANE Select); coding-DNA position 8938, G replaced by A.
Protein change: p.Val2980Met; replaces valine 2980 with methionine.
Molecular consequence: missense variant.
Genome position (GRCh38, 1-based): chr19:38,510,503, G>A. VCF-style: chr19-38510503-G-A. GRCh37 (hg19) VCF-style: chr19-39001143-G-A.
Other names: c.8938G>A, p.Val2980Met (NM_001042723.2); short protein forms V2980M.
Identifiers: ClinVar variation 4757772 (VCV004757772.1).